The following is an entry in ClinVar:

ClinVar aggregate classification (germline): Benign/Likely benign. Review status: criteria provided, multiple submitters, no conflicts (2 of 4 stars). 3 submissions from 3 submitters: Benign (1); Likely benign (1). 1 of the submissions does not count toward it. Last evaluated 2026-01-11.

Conditions:
Spastic paraplegia. Identifiers: MedGen C0037772, HP:0001258.
L1CAM-related disorder. Also called: L1CAM-related condition.

Allele frequency attached by ClinVar (database versions not stated): TOPMed 0.00001; 1000 Genomes Project 30x 0.00042.
gnomAD v4.1: 121 of 1,210,385 alleles (0.01%); highest among the groups gnomAD compares: South Asian, 0.2%; 2 homozygotes.

Submissions (3):

Labcorp Genetics (formerly Invitae), Labcorp
Classification: Benign for Spastic paraplegia. Last evaluated: 2026-01-11. Review status: criteria provided, single submitter. Criteria: Invitae Variant Classification Sherloc (09022015). Collection method: clinical testing. Allele origin: germline.

GeneDx
Classification: Likely benign. Last evaluated: 2018-06-20. Review status: criteria provided, single submitter. Criteria: GeneDx Variant Classification (06012015). Collection method: clinical testing. Allele origin: germline. Affected: yes.
Comment: This variant is considered likely benign or benign based on one or more of the following criteria: it is a conservative change, it occurs at a poorly conserved position in the protein, it is predicted to be benign by multiple in silico algorithms, and/or has population frequency not consistent with disease.

PreventionGenetics, part of Exact Sciences
Classification: Likely benign for L1CAM-related condition. Last evaluated: 2019-05-30. Review status: no assertion criteria provided. Collection method: clinical testing. Allele origin: germline. Not counted in ClinVar's aggregate classification.
Comment: This variant is classified as likely benign based on ACMG/AMP sequence variant interpretation guidelines (Richards et al. 2015 PMID: 25741868, with internal and published modifications).

NM_001278116.2(L1CAM):c.3081G>T (p.Ala1027=)

Gene: L1CAM (L1 cell adhesion molecule; minus strand). Cytogenetic location: Xq28.
Variant type: single nucleotide variant.
Coding change: c.3081G>T on transcript NM_001278116.2 (MANE Select); coding-DNA position 3081, G replaced by T.
Protein change: p.Ala1027=; no amino-acid change (alanine 1027 retained).
Molecular consequence: synonymous variant.
Genome position (GRCh38, 1-based): chrX:153,864,670, C>A on the plus strand (G>T on the coding strand, the complement: L1CAM is on the minus strand). VCF-style: chrX-153864670-C-A. GRCh37 (hg19) VCF-style: chrX-153130125-C-A.
Other names: c.3081G>T, p.Ala1027= (NM_000425.5, NM_024003.3); c.3066G>T, p.Ala1022= (NM_001143963.2).
Identifiers: ClinVar variation 668994 (VCV000668994.9), dbSNP rs139393266, ClinGen allele CA10554030.